The following is an entry in ClinVar:

ClinVar aggregate classification (germline): Pathogenic/Likely pathogenic. Review status: criteria provided, multiple submitters, no conflicts (2 of 4 stars). 2 submissions from 2 submitters: Pathogenic (1); Likely pathogenic (1). Last evaluated 2025-09-02.

Conditions:
Cataract 14 multiple types. Also called: CATARACT 14, ZONULAR PULVERULENT; CATARACT 14, NUCLEAR PULVERULENT; CATARACT 14, NUCLEAR PULVERULENT AND POSTERIOR POLAR; CATARACT 14, NUCLEAR CORALLIFORM; CATARACT 14, EMBRYONAL NUCLEAR; CATARACT 14, COPPOCK-LIKE. Identifiers: Orphanet 91492, MedGen C1866078, MONDO:0011162, OMIM 601885.

Submissions (2):

Labcorp Genetics (formerly Invitae), Labcorp
Classification: Pathogenic for Cataract 14 multiple types. Last evaluated: 2025-09-02. Review status: criteria provided, single submitter. Criteria: Invitae Variant Classification Sherloc (09022015). Collection method: clinical testing. Allele origin: germline.
Comment: This sequence change replaces arginine, which is basic and polar, with cysteine, which is neutral and slightly polar, at codon 76 of the GJA3 protein (p.Arg76Cys). This variant is not present in population databases (gnomAD no frequency). This missense change has been observed in individuals with autosomal dominant congenital cataracts (internal data). ClinVar contains an entry for this variant (Variation ID: 1481592). Invitae Evidence Modeling of protein sequence and biophysical properties (such as structural, functional, and spatial information, amino acid conservation, physicochemical variation, residue mobility, and thermodynamic stability) indicates that this missense variant is expected to disrupt GJA3 protein function with a positive predictive value of 95%. This variant disrupts the p.Arg76 amino acid residue in GJA3. Other variant(s) that disrupt this residue have been determined to be pathogenic (PMID: 15286166). This suggests that this residue is clinically significant, and that variants that disrupt this residue are likely to be disease-causing. For these reasons, this variant has been classified as Pathogenic.

GeneDx
Classification: Likely pathogenic. Last evaluated: 2023-11-14. Review status: criteria provided, single submitter. Criteria: GeneDx Variant Classification Process June 2021. Collection method: clinical testing. Allele origin: germline. Affected: yes.
Comment: In silico analysis supports that this missense variant has a deleterious effect on protein structure/function; Not observed at significant frequency in large population cohorts (gnomAD); Has not been previously published as pathogenic or benign to our knowledge; This variant is associated with the following publications: (PMID: 15286166)

Literature cited by the submitters: PubMed 15286166 (cited by Labcorp Genetics (formerly Invitae), Labcorp).

NM_021954.4(GJA3):c.226C>T (p.Arg76Cys)

Gene: GJA3 (gap junction protein alpha 3; minus strand). Cytogenetic location: 13q12.11.
Variant type: single nucleotide variant.
Coding change: c.226C>T on transcript NM_021954.4 (MANE Select); coding-DNA position 226, C replaced by T.
Protein change: p.Arg76Cys; replaces arginine 76 with cysteine.
Molecular consequence: missense variant.
Genome position (GRCh38, 1-based): chr13:20,143,063, G>A on the plus strand (C>T on the coding strand, the complement: GJA3 is on the minus strand). VCF-style: chr13-20143063-G-A. GRCh37 (hg19) VCF-style: chr13-20717202-G-A.
Other names: c.226C>T (NM_021954.3); short protein forms R76C.
Identifiers: ClinVar variation 1481592 (VCV001481592.9), dbSNP rs1566515310, ClinGen allele CA387465279.
Genomic context (GRCh38, chr13:20,143,063, plus strand): 5'-CGTGGCCCAGGTAGATGAGGGTGGGCGTGGACACGAAGATGATCTGCAGCGCCCAGAAGC[G>A]GATGTGGGAGATGGGGAAGGCCCTGTCGTAGCAGACGTTCTCGCAGCCCGGCTGCTGGGT-3'
Protein context (NP_068773.2, residues 66-86): YDRAFPISHI[Arg76Cys]FWALQIIFVS